The following is an entry in ClinVar:

NM_172364.5(CACNA2D4):c.3226+2T>C

Gene: CACNA2D4 (calcium voltage-gated channel auxiliary subunit alpha2delta 4; minus strand). Cytogenetic location: 12p13.33.
Variant type: single nucleotide variant.
Coding change: c.3226+2T>C on transcript NM_172364.5 (MANE Select); the canonical splice donor site of the intron after coding-DNA position 3226, T replaced by C.
Molecular consequence: splice donor variant.
Genome position (GRCh38, 1-based): chr12:1,795,666, A>G on the plus strand (T>C on the coding strand, the complement: CACNA2D4 is on the minus strand). VCF-style: chr12-1795666-A-G. GRCh37 (hg19) VCF-style: chr12-1904832-A-G.
Identifiers: ClinVar variation 1959682 (VCV001959682.5), dbSNP rs2497680616, ClinGen allele CA383348156.

ClinVar aggregate classification (germline): Uncertain significance (1 of 4 stars; one submission).

Submission:

Labcorp Genetics (formerly Invitae), Labcorp
Classification: Uncertain significance. Last evaluated: 2025-09-02. Review status: criteria provided, single submitter. Criteria: Invitae Variant Classification Sherloc (09022015). Collection method: clinical testing. Allele origin: germline.
Comment: This sequence change affects a donor splice site in intron 36 of the CACNA2D4 gene. It is expected to disrupt RNA splicing. Variants that disrupt the donor or acceptor splice site typically lead to a loss of protein function (PMID: 16199547), however the current clinical and genetic evidence is not sufficient to establish whether loss-of-function variants in CACNA2D4 cause disease. This variant is not present in population databases (gnomAD no frequency). This variant has not been reported in the literature in individuals affected with CACNA2D4-related conditions. ClinVar contains an entry for this variant (Variation ID: 1959682). Algorithms developed to predict the effect of sequence changes on RNA splicing suggest that this variant may disrupt the consensus splice site. In summary, the available evidence is currently insufficient to determine the role of this variant in disease. Therefore, it has been classified as a Variant of Uncertain Significance.

Literature cited by the submitters: PubMed 16199547.